The following is an entry in ClinVar:

ClinVar aggregate classification (germline): Conflicting classifications of pathogenicity. Review status: criteria provided, conflicting classifications (1 of 4 stars). 2 submissions from 2 submitters: Uncertain significance (1); Likely benign (1). Last evaluated 2024-11-30.

Conditions:
Dyskeratosis congenita, autosomal recessive 5 (DKCB5). Identifiers: MedGen C3554656, MONDO:0014076, OMIM 615190.
Pulmonary fibrosis and/or bone marrow failure, Telomere-related, 3. Also called: PULMONARY FIBROSIS AND/OR BONE MARROW FAILURE SYNDROME, TELOMERE-RELATED, 3. Identifiers: Orphanet 2032, MedGen C4225346, MONDO:0014613, OMIM 616373.
Inborn genetic diseases. Identifiers: MedGen C0950123, MeSH D030342.

Allele frequency attached by ClinVar (database versions not stated): TOPMed 0.00001; ExAC 0.00002; gnomAD 0.00002; gnomAD exomes 0.00002.
gnomAD v4.1: 12 of 1,613,190 alleles (0.00074%); highest among the groups gnomAD compares: Middle Eastern, 0.033%; no homozygotes.

Submissions (2):

Ambry Genetics
Classification: Likely benign for Inborn genetic diseases. Last evaluated: 2024-11-30. Review status: criteria provided, single submitter. Criteria: Ambry Variant Classification Scheme 2023. Collection method: clinical testing. Allele origin: germline.

Labcorp Genetics (formerly Invitae), Labcorp
Classification: Uncertain significance for Dyskeratosis congenita, autosomal recessive 5; Pulmonary fibrosis and/or bone marrow failure, Telomere-related, 3. Last evaluated: 2024-04-13. Review status: criteria provided, single submitter. Criteria: Invitae Variant Classification Sherloc (09022015). Collection method: clinical testing. Allele origin: germline.
Comment: This sequence change replaces proline, which is neutral and non-polar, with leucine, which is neutral and non-polar, at codon 297 of the RTEL1 protein (p.Pro297Leu). This variant is present in population databases (rs748022323, gnomAD 0.004%). This variant has not been reported in the literature in individuals affected with RTEL1-related conditions. ClinVar contains an entry for this variant (Variation ID: 1389294). Algorithms developed to predict the effect of missense changes on protein structure and function output the following: SIFT: "Not Available"; PolyPhen-2: "Benign"; Align-GVGD: "Not Available". The leucine amino acid residue is found in multiple mammalian species, which suggests that this missense change does not adversely affect protein function. In summary, the available evidence is currently insufficient to determine the role of this variant in disease. Therefore, it has been classified as a Variant of Uncertain Significance.

NM_001283009.2(RTEL1):c.890C>T (p.Pro297Leu)

Genes: RTEL1 (regulator of telomere elongation helicase 1; plus strand), RTEL1-TNFRSF6B (RTEL1-TNFRSF6B readthrough (NMD candidate); plus strand). Cytogenetic location: 20q13.33.
Variant type: single nucleotide variant.
Coding change: c.890C>T on transcript NM_001283009.2 (MANE Select); coding-DNA position 890, C replaced by T.
Protein change: p.Pro297Leu; replaces proline 297 with leucine.
Molecular consequence: missense variant. On other transcripts: non-coding transcript variant (1).
Genome position (GRCh38, 1-based): chr20:63,674,064, C>T. VCF-style: chr20-63674064-C-T. GRCh37 (hg19) VCF-style: chr20-62305417-C-T.
Other names: c.221C>T, p.Pro74Leu (NM_001283010.1); c.890C>T, p.Pro297Leu (NM_016434.4); c.962C>T, p.Pro321Leu (NM_032957.5); short protein forms P297L, P74L, P321L.
Identifiers: ClinVar variation 1389294 (VCV001389294.8), dbSNP rs748022323, ClinGen allele CA9964474.